The following is an entry in ClinVar:

ClinVar aggregate classification (germline): Uncertain significance. Review status: criteria provided, multiple submitters, no conflicts (2 of 4 stars). 2 submissions from 2 submitters: Uncertain significance (2). Last evaluated 2025-09-25.

Conditions:
Epileptic encephalopathy. Identifiers: MedGen C0543888, HP:0200134.

Allele frequency attached by ClinVar (database versions not stated): gnomAD exomes 0.00001; ExAC 0.00001; TOPMed 0.00001.
gnomAD v4.1: 15 of 1,611,080 alleles (0.00093%); highest among the groups gnomAD compares: African/African-American, 0.0013%; no homozygotes.

Submissions (2):

Dasa
Classification: Uncertain significance. Last evaluated: 2025-09-25. Review status: criteria provided, single submitter. Criteria: DASA Assertion Criteria. Collection method: clinical testing. Allele origin: germline.
Comment: NM_005458.8(GABBR2):c.1909C>T (p.Arg637Trp) is a missense variant that results in the substitution of arginine with tryptophan. This variant is rare in population databases. Computational prediction algorithms are consistent with a deleterious effect. The currently available literature and clinical evidence are not sufficient to establish a definitive association between this variant and the reported condition. Therefore, this variant is classified as a variant of uncertain significance.

Labcorp Genetics (formerly Invitae), Labcorp
Classification: Uncertain significance for Epileptic encephalopathy. Last evaluated: 2023-04-02. Review status: criteria provided, single submitter. Criteria: Invitae Variant Classification Sherloc (09022015). Collection method: clinical testing. Allele origin: germline.
Comment: In summary, the available evidence is currently insufficient to determine the role of this variant in disease. Therefore, it has been classified as a Variant of Uncertain Significance. Advanced modeling of protein sequence and biophysical properties (such as structural, functional, and spatial information, amino acid conservation, physicochemical variation, residue mobility, and thermodynamic stability) performed at Invitae indicates that this missense variant is expected to disrupt GABBR2 protein function. This variant has not been reported in the literature in individuals affected with GABBR2-related conditions. This variant is present in population databases (rs748191490, gnomAD 0.0009%). This sequence change replaces arginine, which is basic and polar, with tryptophan, which is neutral and slightly polar, at codon 637 of the GABBR2 protein (p.Arg637Trp).

NM_005458.8(GABBR2):c.1909C>T (p.Arg637Trp)

Gene: GABBR2 (gamma-aminobutyric acid type B receptor subunit 2; minus strand). Cytogenetic location: 9q22.33.
Variant type: single nucleotide variant.
Coding change: c.1909C>T on transcript NM_005458.8 (MANE Select); coding-DNA position 1909, C replaced by T.
Protein change: p.Arg637Trp; replaces arginine 637 with tryptophan.
Molecular consequence: missense variant.
Genome position (GRCh38, 1-based): chr9:98,311,190, G>A on the plus strand (C>T on the coding strand, the complement: GABBR2 is on the minus strand). VCF-style: chr9-98311190-G-A. GRCh37 (hg19) VCF-style: chr9-101073472-G-A.
Other names: short protein forms R637W.
Identifiers: ClinVar variation 2777065 (VCV002777065.5), dbSNP rs748191490, ClinGen allele CA5152572.